The following is an entry in ClinVar:

NM_000629.3(IFNAR1):c.788A>C (p.His263Pro)

Gene: IFNAR1 (interferon alpha and beta receptor subunit 1; plus strand). Cytogenetic location: 21q22.11.
Variant type: single nucleotide variant.
Coding change: c.788A>C on transcript NM_000629.3 (MANE Select); coding-DNA position 788, A replaced by C.
Protein change: p.His263Pro; replaces histidine 263 with proline.
Molecular consequence: missense variant.
Genome position (GRCh38, 1-based): chr21:33,345,360, A>C. VCF-style: chr21-33345360-A-C. GRCh37 (hg19) VCF-style: chr21-34717666-A-C.
Other names: c.788A>C, p.His263Pro (NM_001384498.1, NM_001384499.1, NM_001384503.1); c.26A>C, p.His9Pro (NM_001384500.1); c.788A>C, p.Gln263Pro (NM_001384501.1); c.326A>C, p.His109Pro (NM_001384502.1); c.581A>C, p.His194Pro (NM_001384504.1); short protein forms H263P, H9P, H194P, H109P, Q263P.
Identifiers: ClinVar variation 1487414 (VCV001487414.5), dbSNP rs749610356, ClinGen allele CA10006586.
Genomic context (GRCh38, chr21:33,345,360, plus strand): 5'-ACTATGTTCTTAAATGGGATTATACATATGCAAACATGACCTTTCAAGTTCAGTGGCTCC[A>C]GTAAGTTCCATTCCATAAATTTCCTTTTGCCCAGTTTGTTTTGATTATGCTTCTTTTCGC-3'
Protein context (NP_000620.2, residues 253-273): ANMTFQVQWL[His263Pro]AFLKRNPGNH

ClinVar aggregate classification (germline): Uncertain significance (1 of 4 stars; one submission).

Allele frequency attached by ClinVar (database versions not stated): gnomAD 0.00002; gnomAD exomes 0.00002 and 0.00011; ExAC 0.00006; TOPMed 0.00008.
gnomAD v4.1: 34 of 1,477,124 alleles (0.0023%); highest among the groups gnomAD compares: Admixed American, 0.054%; no homozygotes.

Submission:

Labcorp Genetics (formerly Invitae), Labcorp
Classification: Uncertain significance. Last evaluated: 2022-07-05. Review status: criteria provided, single submitter. Criteria: Invitae Variant Classification Sherloc (09022015). Collection method: clinical testing. Allele origin: germline.
Comment: This sequence change replaces histidine, which is basic and polar, with proline, which is neutral and non-polar, at codon 263 of the IFNAR1 protein (p.His263Pro). This variant is present in population databases (rs749610356, gnomAD 0.08%). This variant has not been reported in the literature in individuals affected with IFNAR1-related conditions. ClinVar contains an entry for this variant (Variation ID: 1487414). Algorithms developed to predict the effect of missense changes on protein structure and function output the following: SIFT: "Tolerated"; PolyPhen-2: "Benign"; Align-GVGD: "Class C0". The proline amino acid residue is found in multiple mammalian species, which suggests that this missense change does not adversely affect protein function. In summary, the available evidence is currently insufficient to determine the role of this variant in disease. Therefore, it has been classified as a Variant of Uncertain Significance.